The following is an entry in ClinVar:

NM_024675.4(PALB2):c.1038A>C (p.Lys346Asn)

Gene: PALB2 (partner and localizer of BRCA2; minus strand). Cytogenetic location: 16p12.2.
Variant type: single nucleotide variant.
Coding change: c.1038A>C on transcript NM_024675.4 (MANE Select); coding-DNA position 1038, A replaced by C.
Protein change: p.Lys346Asn; replaces lysine 346 with asparagine.
Molecular consequence: missense variant.
Genome position (GRCh38, 1-based): chr16:23,635,508, T>G on the plus strand (A>C on the coding strand, the complement: PALB2 is on the minus strand). VCF-style: chr16-23635508-T-G. GRCh37 (hg19) VCF-style: chr16-23646829-T-G.
Other names: short protein forms K346N.
Identifiers: ClinVar variation 1171639 (VCV001171639.3), dbSNP rs515726059, ClinGen allele CA395134255.
Genomic context (GRCh38, chr16:23,635,508, plus strand): 5'-ATTCCTGCCATCAAGAGTGTCACTGGGAGATTTTAAAGATTTCTCTGTTTGATTTTGTTC[T>G]TTTAAGTTTTGGTTTTCATTTGCTGGTAAGTTATTGTAGGTGAGTTCATTTAGAGAACAT-3'
Protein context (NP_078951.2, residues 336-356): NLPANENQNL[Lys346Asn]EQNQTEKSLK

ClinVar aggregate classification (germline): Uncertain significance (1 of 4 stars; one submission).

Conditions:
Hereditary cancer-predisposing syndrome. Also called: Tumor predisposition; Hereditary neoplastic syndrome; Hereditary Cancer Syndrome; Neoplastic Syndromes, Hereditary. Identifiers: Orphanet 140162, MedGen C0027672, MeSH D009386, MONDO:0015356.

Submission:

Color Diagnostics, LLC DBA Color Health
Classification: Uncertain significance for Hereditary cancer-predisposing syndrome. Last evaluated: 2024-03-06. Review status: criteria provided, single submitter. Criteria: ACMG Guidelines, 2015. Collection method: clinical testing. Allele origin: germline.
Comment: This missense variant replaces lysine with asparagine at codon 346 of the PALB2 protein. Computational prediction suggests that this variant may not impact protein structure and function (internally defined REVEL score threshold <= 0.5, PMID: 27666373). To our knowledge, functional studies have not been reported for this variant. This variant has not been reported in individuals affected with hereditary cancer in the literature. This variant has not been identified in the general population by the Genome Aggregation Database (gnomAD). The available evidence is insufficient to determine the role of this variant in disease conclusively. Therefore, this variant is classified as a Variant of Uncertain Significance.